The following is an entry in ClinVar:

ClinVar aggregate classification (germline): Uncertain significance (1 of 4 stars; one submission).

Conditions:
Osteogenesis imperfecta type 8 (OI8). Identifiers: MedGen C1970458, MONDO:0012581, OMIM 610915.

Allele frequency attached by ClinVar (database versions not stated): TOPMed below 0.00001; gnomAD exomes 0.00001.

Submission:

Labcorp Genetics (formerly Invitae), Labcorp
Classification: Uncertain significance for Osteogenesis imperfecta type 8. Last evaluated: 2022-07-31. Review status: criteria provided, single submitter. Criteria: Invitae Variant Classification Sherloc (09022015). Collection method: clinical testing. Allele origin: germline.
Comment: Algorithms developed to predict the effect of missense changes on protein structure and function output the following: SIFT: "Tolerated"; PolyPhen-2: "Benign"; Align-GVGD: "Class C0". The threonine amino acid residue is found in multiple mammalian species, which suggests that this missense change does not adversely affect protein function. This variant has not been reported in the literature in individuals affected with P3H1-related conditions. This variant is present in population databases (no rsID available, gnomAD 0.004%). This sequence change replaces methionine, which is neutral and non-polar, with threonine, which is neutral and polar, at codon 177 of the P3H1 protein (p.Met177Thr). In summary, the available evidence is currently insufficient to determine the role of this variant in disease. Therefore, it has been classified as a Variant of Uncertain Significance.

NM_022356.4(P3H1):c.530T>C (p.Met177Thr)

Gene: P3H1 (prolyl 3-hydroxylase 1; minus strand). Cytogenetic location: 1p34.2.
Variant type: single nucleotide variant.
Coding change: c.530T>C on transcript NM_022356.4 (MANE Select); coding-DNA position 530, T replaced by C.
Protein change: p.Met177Thr; replaces methionine 177 with threonine.
Molecular consequence: missense variant.
Genome position (GRCh38, 1-based): chr1:42,762,411, A>G on the plus strand (T>C on the coding strand, the complement: P3H1 is on the minus strand). VCF-style: chr1-42762411-A-G. GRCh37 (hg19) VCF-style: chr1-43228082-A-G.
Other names: c.530T>C, p.Met177Thr (NM_001146289.2, NM_001243246.2); short protein forms M177T.
Identifiers: ClinVar variation 2184345 (VCV002184345.2), dbSNP rs1457685465, ClinGen allele CA339962212.